The following is an entry in ClinVar:

NM_002907.4(RECQL):c.1241G>A (p.Cys414Tyr)

Gene: RECQL (RecQ like helicase; minus strand). Cytogenetic location: 12p12.1.
Variant type: single nucleotide variant.
Coding change: c.1241G>A on transcript NM_002907.4 (MANE Select); coding-DNA position 1241, G replaced by A.
Protein change: p.Cys414Tyr; replaces cysteine 414 with tyrosine.
Molecular consequence: missense variant.
Genome position (GRCh38, 1-based): chr12:21,474,955, C>T on the plus strand (G>A on the coding strand, the complement: RECQL is on the minus strand). VCF-style: chr12-21474955-C-T. GRCh37 (hg19) VCF-style: chr12-21627889-C-T.
Other names: c.1241G>A, p.Cys414Tyr (NM_032941.3); short protein forms C414Y.
Identifiers: ClinVar variation 861447 (VCV000861447.19), dbSNP rs149937760, ClinGen allele CA6478808.

ClinVar aggregate classification (germline): Conflicting classifications of pathogenicity. Review status: criteria provided, conflicting classifications (1 of 4 stars). 6 submissions from 6 submitters: Uncertain significance (4); Likely benign (1). 1 of the submissions does not count toward it. Last evaluated 2025-12-16.

Conditions:
RECQL-related disorder. Also called: RECQL-related condition.

Allele frequency attached by ClinVar (database versions not stated): gnomAD 0.00006; TOPMed 0.00007; ESP Exome Variant Server 0.00015; gnomAD exomes 0.00019 and 0.00023; ExAC 0.00022.
gnomAD v4.1: 348 of 1,612,696 alleles (0.022%); highest among the groups gnomAD compares: Non-Finnish European, 0.028%; no homozygotes.

Submissions (6):

Labcorp Genetics (formerly Invitae), Labcorp
Classification: Uncertain significance. Last evaluated: 2025-12-16. Review status: criteria provided, single submitter. Criteria: Invitae Variant Classification Sherloc (09022015). Collection method: clinical testing. Allele origin: germline.
Comment: This sequence change replaces cysteine, which is neutral and slightly polar, with tyrosine, which is neutral and polar, at codon 414 of the RECQL protein (p.Cys414Tyr). This variant is present in population databases (rs149937760, gnomAD 0.04%). This variant has not been reported in the literature in individuals affected with RECQL-related conditions. ClinVar contains an entry for this variant (Variation ID: 861447). Invitae Evidence Modeling of protein sequence and biophysical properties (such as structural, functional, and spatial information, amino acid conservation, physicochemical variation, residue mobility, and thermodynamic stability) indicates that this missense variant is expected to disrupt RECQL protein function with a positive predictive value of 80%. In summary, the available evidence is currently insufficient to determine the role of this variant in disease. Therefore, it has been classified as a Variant of Uncertain Significance.

Quest Diagnostics Nichols Institute San Juan Capistrano
Classification: Uncertain significance. Last evaluated: 2025-03-18. Review status: criteria provided, single submitter. Criteria: Quest Diagnostics criteria. Collection method: clinical testing. Allele origin: unknown.
Comment: The RECQL c.1241G>A (p.Cys414Tyr) variant has been reported in the published literature in individuals with ovarian cancer (PMID: 32546565 (2021)) and prostate cancer (PMID: 32183364 (2020)). The frequency of this variant in the general population (Genome Aggregation Database) is higher than would generally be expected for pathogenic variants in this gene. Analysis of this variant using bioinformatics tools for the prediction of the effect of amino acid changes on protein structure and function yielded predictions that this variant is damaging. Based on the available information, we are unable to determine the clinical significance of this variant.

Center for Genomic Medicine, Rigshospitalet, Copenhagen University Hospital
Classification: Uncertain significance. Last evaluated: 2025-03-04. Review status: criteria provided, single submitter. Criteria: ACMG Guidelines, 2015. Collection method: clinical testing. Allele origin: germline.

GeneDx
Classification: Uncertain significance. Last evaluated: 2025-01-29. Review status: criteria provided, single submitter. Criteria: GeneDx Variant Classification Process June 2021. Collection method: clinical testing. Allele origin: germline. Affected: yes.
Comment: In silico analysis supports that this missense variant has a deleterious effect on protein structure/function; Observed in individual(s) with prostate cancer (PMID: 32183364); Variants in candidate genes are classified as variants of uncertain significance in accordance with ACMG guidelines (PMID: 25741868); This variant is associated with the following publications: (PMID: 26455304, 27248010, 19151156, 32183364)

Ambry Genetics
Classification: Likely benign. Last evaluated: 2020-07-01. Review status: criteria provided, single submitter. Criteria: Ambry Variant Classification Scheme 2023. Collection method: clinical testing. Allele origin: germline.

PreventionGenetics, part of Exact Sciences
Classification: Uncertain significance for RECQL-related condition. Last evaluated: 2024-08-21. Review status: no assertion criteria provided. Collection method: clinical testing. Allele origin: germline. Not counted in ClinVar's aggregate classification.
Comment: The RECQL c.1241G>A variant is predicted to result in the amino acid substitution p.Cys414Tyr. To our knowledge, this variant has not been reported in the literature. This variant is reported in 0.037% of alleles in individuals of European (Non-Finnish) descent in gnomAD and has interpretation of likely benign and uncertain significance in ClinVar. At this time, the clinical significance of this variant is uncertain due to the absence of conclusive functional and genetic evidence.

Literature cited by the submitters: PubMed 32546565 (cited by Quest Diagnostics Nichols Institute San Juan Capistrano); PubMed 32183364 (cited by Quest Diagnostics Nichols Institute San Juan Capistrano); PubMed 25945795 (cited by Center for Genomic Medicine, Rigshospitalet, Copenhagen University Hospital); PubMed 28724667 (cited by Center for Genomic Medicine, Rigshospitalet, Copenhagen University Hospital); PubMed 25915596 (cited by Center for Genomic Medicine, Rigshospitalet, Copenhagen University Hospital).